The following is an entry in ClinVar:

NM_002546.4(TNFRSF11B):c.692A>C (p.Lys231Thr)

Gene: TNFRSF11B (TNF receptor superfamily member 11b; minus strand). Cytogenetic location: 8q24.12.
Variant type: single nucleotide variant.
Coding change: c.692A>C on transcript NM_002546.4 (MANE Select); coding-DNA position 692, A replaced by C.
Protein change: p.Lys231Thr; replaces lysine 231 with threonine.
Molecular consequence: missense variant.
Genome position (GRCh38, 1-based): chr8:118,926,619, T>G on the plus strand (A>C on the coding strand, the complement: TNFRSF11B is on the minus strand). VCF-style: chr8-118926619-T-G. GRCh37 (hg19) VCF-style: chr8-119938858-T-G.
Other names: short protein forms K231T.
Identifiers: ClinVar variation 4696301 (VCV004696301.1).
Genomic context (GRCh38, chr8:118,926,619, plus strand): 5'-AAAGTCTGTTCTTGTGAGCTGTGTTGCCGTTTTATCCTCTCTACACTCTCTGCGTTTACT[T>G]TGGTGCCAGGCAAATTGTCTACCAAGACACTAAGCCAGTTAGGCGTAAACTTTGTAGGAA-3'
Protein context (NP_002537.3, residues 221-241): SVLVDNLPGT[Lys231Thr]VNAESVERIK

ClinVar aggregate classification (germline): Uncertain significance (1 of 4 stars; one submission).

gnomAD v4.1: 8 of 1,614,010 alleles (0.0005%); highest among the groups gnomAD compares: Non-Finnish European, 0.00068%; no homozygotes.

Submission:

Labcorp Genetics (formerly Invitae), Labcorp
Classification: Uncertain significance. Last evaluated: 2025-11-13. Review status: criteria provided, single submitter. Criteria: Invitae Variant Classification Sherloc (09022015). Collection method: clinical testing. Allele origin: germline.
Comment: This sequence change replaces lysine, which is basic and polar, with threonine, which is neutral and polar, at codon 231 of the TNFRSF11B protein (p.Lys231Thr). This variant is present in population databases (rs781066936, gnomAD 0.0009%). This variant has not been reported in the literature in individuals affected with TNFRSF11B-related conditions. Invitae Evidence Modeling of protein sequence and biophysical properties (such as structural, functional, and spatial information, amino acid conservation, physicochemical variation, residue mobility, and thermodynamic stability) indicates that this missense variant is not expected to disrupt TNFRSF11B protein function with a negative predictive value of 80%. In summary, the available evidence is currently insufficient to determine the role of this variant in disease. Therefore, it has been classified as a Variant of Uncertain Significance.